The following is an entry in ClinVar:

ClinVar aggregate classification (germline): Uncertain significance (1 of 4 stars; one submission).

Submission:

Labcorp Genetics (formerly Invitae), Labcorp
Classification: Uncertain significance. Last evaluated: 2022-08-31. Review status: criteria provided, single submitter. Criteria: Invitae Variant Classification Sherloc (09022015). Collection method: clinical testing. Allele origin: germline.
Comment: In summary, the available evidence is currently insufficient to determine the role of this variant in disease. Therefore, it has been classified as a Variant of Uncertain Significance. Algorithms developed to predict the effect of sequence changes on RNA splicing suggest that this variant may create or strengthen a splice site. Algorithms developed to predict the effect of missense changes on protein structure and function output the following: SIFT: "Tolerated"; PolyPhen-2: "Benign"; Align-GVGD: "Class C0". The asparagine amino acid residue is found in multiple mammalian species, which suggests that this missense change does not adversely affect protein function. ClinVar contains an entry for this variant (Variation ID: 946928). This variant has not been reported in the literature in individuals affected with POLE-related conditions. This variant is not present in population databases (gnomAD no frequency). This sequence change replaces serine, which is neutral and polar, with asparagine, which is neutral and polar, at codon 1525 of the POLE protein (p.Ser1525Asn).

NM_006231.4(POLE):c.4574G>A (p.Ser1525Asn)

Gene: POLE (DNA polymerase epsilon, catalytic subunit; minus strand). Cytogenetic location: 12q24.33.
Variant type: single nucleotide variant.
Coding change: c.4574G>A on transcript NM_006231.4 (MANE Select); coding-DNA position 4574, G replaced by A.
Protein change: p.Ser1525Asn; replaces serine 1525 with asparagine.
Molecular consequence: missense variant.
Genome position (GRCh38, 1-based): chr12:132,642,974, C>T on the plus strand (G>A on the coding strand, the complement: POLE is on the minus strand). VCF-style: chr12-132642974-C-T. GRCh37 (hg19) VCF-style: chr12-133219560-C-T.
Other names: short protein forms S1525N.
Identifiers: ClinVar variation 946928 (VCV000946928.9), dbSNP rs1593732744, ClinGen allele CA387379299.
Genomic context (GRCh38, chr12:132,642,974, plus strand): 5'-AGCTCAGGGCCCACCTTCTCCAGGAGGAGGCCGTGCTCTGCTGAGTACAGGGCGCCAAGG[C>T]TGGGCATCTGGTTGCTGCGCACCTAGACCAACGCAGGCCACGTCAGCCTCCCCCTGCGCA-3'
Protein context (NP_006222.2, residues 1515-1535): LDTVRSNQMP[Ser1525Asn]LGALYSAEHG